The following is an entry in ClinVar:

ClinVar aggregate classification (germline): Uncertain significance (1 of 4 stars; one submission).

Conditions:
Metachromatic leukodystrophy (MLD). Also called: SULFATIDE LIPIDOSIS; Cerebral sclerosis diffuse metachromatic form; ARSA DEFICIENCY; CEREBROSIDE SULFATASE DEFICIENCY; Arylsulfatase A Deficiency; METACHROMATIC LEUKOENCEPHALOPATHY. Identifiers: Orphanet 512, MedGen C0023522, MONDO:0018868, OMIM 250100.

Submission:

Labcorp Genetics (formerly Invitae), Labcorp
Classification: Uncertain significance for Metachromatic leukodystrophy. Last evaluated: 2022-07-11. Review status: criteria provided, single submitter. Criteria: Invitae Variant Classification Sherloc (09022015). Collection method: clinical testing. Allele origin: germline.
Comment: This sequence change falls in intron 5 of the ARSA gene. It does not directly change the encoded amino acid sequence of the ARSA protein. Information on the frequency of this variant in the gnomAD database is not available, as this variant may be reported differently in the database. This variant has not been reported in the literature in individuals affected with ARSA-related conditions. Experimental studies and prediction algorithms are not available or were not evaluated, and the effect of this variant on mRNA splicing is currently unknown. In summary, the available evidence is currently insufficient to determine the role of this variant in disease. Therefore, it has been classified as a Variant of Uncertain Significance.

NM_000487.6(ARSA):c.980-21_980-20delinsCT

Gene: ARSA (arylsulfatase A; minus strand). Cytogenetic location: 22q13.33.
Variant type: Indel.
Coding change: c.980-21_980-20delinsCT on transcript NM_000487.6 (MANE Select); 21 bases into the intron before coding-DNA position 980 through 20 bases into the intron before coding-DNA position 980, TG replaced by CT.
Molecular consequence: intron variant.
Genome position (GRCh38, 1-based): chr22:50,626,083-50,626,084, CA replaced by AG on the plus strand (TG replaced by CT on the coding strand, the reverse complement: ARSA is on the minus strand). VCF-style: chr22-50626083-CA-AG. GRCh37 (hg19) VCF-style: chr22-51064511-CA-AG.
Other names: c.722-21_722-20delinsCT (NM_001362782.2, NM_001085428.3); c.980-21_980-20delinsCT (NM_001085427.3, NM_001085426.3, NM_001085425.3).
Identifiers: ClinVar variation 2084009 (VCV002084009.1), dbSNP rs2518326420, ClinGen allele CA2580100081.